The following is an entry in ClinVar:

ClinVar aggregate classification (germline): Uncertain significance (1 of 4 stars; one submission).

Conditions:
Inborn genetic diseases. Identifiers: MedGen C0950123, MeSH D030342.

gnomAD v4.1: 2 of 1,612,796 alleles (0.00012%); highest among the groups gnomAD compares: Non-Finnish European, 0.000085%; no homozygotes.

Submission:

Ambry Genetics
Classification: Uncertain significance for Inborn genetic diseases. Last evaluated: 2024-12-16. Review status: criteria provided, single submitter. Criteria: Ambry Variant Classification Scheme 2023. Collection method: clinical testing. Allele origin: germline.
Comment: The p.A523V variant (also known as c.1568C>T), located in coding exon 17 of the RTEL1 gene, results from a C to T substitution at nucleotide position 1568. The alanine at codon 523 is replaced by valine, an amino acid with similar properties. This amino acid position is conserved. In addition, this alteration is predicted to be tolerated by in silico analysis. Based on the available evidence, the clinical significance of this variant remains unclear.

NM_001283009.2(RTEL1):c.1568C>T (p.Ala523Val)

Genes: RTEL1 (regulator of telomere elongation helicase 1; plus strand), RTEL1-TNFRSF6B (RTEL1-TNFRSF6B readthrough (NMD candidate); plus strand). Cytogenetic location: 20q13.33.
Variant type: single nucleotide variant.
Coding change: c.1568C>T on transcript NM_001283009.2 (MANE Select); coding-DNA position 1568, C replaced by T.
Protein change: p.Ala523Val; replaces alanine 523 with valine.
Molecular consequence: missense variant. On other transcripts: non-coding transcript variant (1).
Genome position (GRCh38, 1-based): chr20:63,688,023, C>T. VCF-style: chr20-63688023-C-T. GRCh37 (hg19) VCF-style: chr20-62319376-C-T.
Other names: c.899C>T, p.Ala300Val (NM_001283010.1); c.1568C>T, p.Ala523Val (NM_016434.4); c.1640C>T, p.Ala547Val (NM_032957.5); short protein forms A547V, A523V, A300V.
Identifiers: ClinVar variation 3790977 (VCV003790977.1).